The following is an entry in ClinVar:

ClinVar aggregate classification (germline): Uncertain significance (1 of 4 stars; one submission).

Conditions:
Cardiovascular phenotype. Identifiers: MedGen CN230736.

Submission:

Ambry Genetics
Classification: Uncertain significance for Cardiovascular phenotype. Last evaluated: 2026-08-10. Review status: criteria provided, single submitter. Criteria: Ambry Variant Classification Scheme 2023. Collection method: clinical testing. Allele origin: germline.
Comment: The p.S2810A variant (also known as c.8428T>G), located in coding exon 24 of the DSP gene, results from a T to G substitution at nucleotide position 8428. The serine at codon 2810 is replaced by alanine, an amino acid with similar properties. This amino acid position is conserved. In addition, this alteration is predicted to be tolerated by in silico analysis. Based on the available evidence, the clinical significance of this variant remains unclear.

NM_004415.4(DSP):c.8428T>G (p.Ser2810Ala)

Gene: DSP (desmoplakin; plus strand). Cytogenetic location: 6p24.3.
Variant type: single nucleotide variant.
Coding change: c.8428T>G on transcript NM_004415.4 (MANE Select); coding-DNA position 8428, T replaced by G.
Protein change: p.Ser2810Ala; replaces serine 2810 with alanine.
Molecular consequence: missense variant.
Genome position (GRCh38, 1-based): chr6:7,585,690, T>G. VCF-style: chr6-7585690-T-G. GRCh37 (hg19) VCF-style: chr6-7585923-T-G.
Other names: c.6631T>G, p.Ser2211Ala (NM_001008844.3); c.7099T>G, p.Ser2367Ala (NM_001319034.2); short protein forms S2211A, S2810A, S2367A.
Identifiers: ClinVar variation 5035657 (VCV005035657.1).